The following is an entry in ClinVar:

ClinVar aggregate classification (germline): Uncertain significance (1 of 4 stars; one submission).

Conditions:
Desbuquois dysplasia 1 (DBQD1). Also called: DESBUQUOIS DYSPLASIA 1, KIM VARIANT; MICROMELIC DWARFISM WITH VERTEBRAL AND METAPHYSEAL ABNORMALITIES AND ADVANCED CARPOTARSAL OSSIFICATION. Identifiers: Orphanet 1425, MedGen C4012146, MONDO:0009629, OMIM 251450.

Allele frequency attached by ClinVar (database versions not stated): gnomAD 0.00001; TOPMed 0.00001.

Submission:

Labcorp Genetics (formerly Invitae), Labcorp
Classification: Uncertain significance for Desbuquois dysplasia 1. Last evaluated: 2021-05-16. Review status: criteria provided, single submitter. Criteria: Invitae Variant Classification Sherloc (09022015). Collection method: clinical testing. Allele origin: germline.
Comment: This sequence change replaces valine with methionine at codon 32 of the XYLT1 protein (p.Val32Met). The valine residue is weakly conserved and there is a small physicochemical difference between valine and methionine. The frequency data for this variant in the population databases is considered unreliable, as metrics indicate insufficient coverage at this position in the ExAC database. In summary, the available evidence is currently insufficient to determine the role of this variant in disease. Therefore, it has been classified as a Variant of Uncertain Significance. Algorithms developed to predict the effect of missense changes on protein structure and function are either unavailable or do not agree on the potential impact of this missense change (SIFT: "Deleterious"; PolyPhen-2: "Benign"; Align-GVGD: "Class C0"). This variant has not been reported in the literature in individuals with XYLT1-related conditions.

NM_022166.4(XYLT1):c.94G>A (p.Val32Met)

Gene: XYLT1 (xylosyltransferase 1; minus strand). Cytogenetic location: 16p12.3.
Variant type: single nucleotide variant.
Coding change: c.94G>A on transcript NM_022166.4 (MANE Select); coding-DNA position 94, G replaced by A.
Protein change: p.Val32Met; replaces valine 32 with methionine.
Molecular consequence: missense variant.
Genome position (GRCh38, 1-based): chr16:17,470,703, C>T on the plus strand (G>A on the coding strand, the complement: XYLT1 is on the minus strand). VCF-style: chr16-17470703-C-T. GRCh37 (hg19) VCF-style: chr16-17564560-C-T.
Other names: short protein forms V32M.
Identifiers: ClinVar variation 1445560 (VCV001445560.8), dbSNP rs1301420949, ClinGen allele CA395220419.
Genomic context (GRCh38, chr16:17,470,703, plus strand): 5'-CGACCGCTGCGCCCCCGCGGCGCTCCCCGGCCCCGGAGTCGAGGCTGCTGAAATTCCACA[C>T]GACCAGCGTCTGCAGCAGCAGCACCGTGAGCGCCGCGAGCAGCGCCGAGTGCGAGCGCCG-3'
Protein context (NP_071449.1, residues 22-42): LTVLLLQTLV[Val32Met]WNFSSLDSGA